The following is an entry in ClinVar:

ClinVar aggregate classification (germline): Uncertain significance (1 of 4 stars; one submission).

Conditions:
Familial cancer of breast. Also called: hereditary breast carcinoma; BREAST CANCER, FAMILIAL; Hereditary breast cancer. Identifiers: Orphanet 227535, MedGen C0346153, MONDO:0016419, OMIM 114480. Disease mechanism: loss of function.

gnomAD v4.1: 1 of 1,614,006 alleles (0.000062%); no homozygotes.

Submission:

Labcorp Genetics (formerly Invitae), Labcorp
Classification: Uncertain significance for Familial cancer of breast. Last evaluated: 2024-03-13. Review status: criteria provided, single submitter. Criteria: Invitae Variant Classification Sherloc (09022015). Collection method: clinical testing. Allele origin: germline.
Comment: This sequence change replaces glycine, which is neutral and non-polar, with serine, which is neutral and polar, at codon 401 of the PALB2 protein (p.Gly401Ser). This variant is not present in population databases (gnomAD no frequency). This variant has not been reported in the literature in individuals affected with PALB2-related conditions. Advanced modeling of protein sequence and biophysical properties (such as structural, functional, and spatial information, amino acid conservation, physicochemical variation, residue mobility, and thermodynamic stability) performed at Invitae indicates that this missense variant is expected to disrupt PALB2 protein function with a positive predictive value of 80%. In summary, the available evidence is currently insufficient to determine the role of this variant in disease. Therefore, it has been classified as a Variant of Uncertain Significance.

NM_024675.4(PALB2):c.1201G>A (p.Gly401Ser)

Gene: PALB2 (partner and localizer of BRCA2; minus strand). Cytogenetic location: 16p12.2.
Variant type: single nucleotide variant.
Coding change: c.1201G>A on transcript NM_024675.4 (MANE Select); coding-DNA position 1201, G replaced by A.
Protein change: p.Gly401Ser; replaces glycine 401 with serine.
Molecular consequence: missense variant. On other transcripts: intron variant (3).
Genome position (GRCh38, 1-based): chr16:23,635,345, C>T on the plus strand (G>A on the coding strand, the complement: PALB2 is on the minus strand). VCF-style: chr16-23635345-C-T. GRCh37 (hg19) VCF-style: chr16-23646666-C-T.
Other names: c.-104-4876G>A (NM_001407313.1, NM_001407312.1); c.1141G>A, p.Gly381Ser (NM_001407296.1); c.1201G>A, p.Gly401Ser (NM_001407297.1, NM_001407298.1, NM_001407299.1 and 3 more transcripts); c.316G>A, p.Gly106Ser (NM_001407304.1, NM_001407305.1, NM_001407306.1 and 5 more transcripts); c.48+5765G>A (NM_001407314.1); short protein forms G401S, G106S, G381S.
Identifiers: ClinVar variation 3645721 (VCV003645721.2).